The following is an entry in ClinVar:

NM_152703.5(SAMD9L):c.3962A>G (p.Gln1321Arg)

Gene: SAMD9L (sterile alpha motif domain containing 9 like; minus strand). Cytogenetic location: 7q21.2.
Variant type: single nucleotide variant.
Coding change: c.3962A>G on transcript NM_152703.5 (MANE Select); coding-DNA position 3962, A replaced by G.
Protein change: p.Gln1321Arg; replaces glutamine 1321 with arginine.
Molecular consequence: missense variant.
Genome position (GRCh38, 1-based): chr7:93,132,010, T>C on the plus strand (A>G on the coding strand, the complement: SAMD9L is on the minus strand). VCF-style: chr7-93132010-T-C. GRCh37 (hg19) VCF-style: chr7-92761323-T-C.
Other names: c.3962A>G, p.Gln1321Arg (NM_001303496.3, NM_001303497.3, NM_001303498.3 and 5 more transcripts); short protein forms Q1321R.
Identifiers: ClinVar variation 5028933 (VCV005028933.1).

ClinVar aggregate classification (germline): Uncertain significance (1 of 4 stars; one submission).

Conditions:
Inborn genetic diseases. Identifiers: MedGen C0950123, MeSH D030342.

Submission:

Ambry Genetics
Classification: Uncertain significance for Inborn genetic diseases. Last evaluated: 2026-08-04. Review status: criteria provided, single submitter. Criteria: Ambry Variant Classification Scheme 2023. Collection method: clinical testing. Allele origin: germline.
Comment: The p.Q1321R variant (also known as c.3962A>G), located in coding exon 1 of the SAMD9L gene, results from an A to G substitution at nucleotide position 3962. The glutamine at codon 1321 is replaced by arginine, an amino acid with highly similar properties. This amino acid position is conserved. In addition, this alteration is predicted to be tolerated by in silico analysis. Based on the available evidence, the clinical significance of this variant remains unclear.